The following is an entry in ClinVar:

ClinVar aggregate classification (germline): Uncertain significance. Review status: criteria provided, multiple submitters, no conflicts (2 of 4 stars). 5 submissions from 5 submitters: Uncertain significance (3). 2 of the submissions do not count toward it. Last evaluated 2025-04-28.

Conditions:
CEP290-related disorder. Also called: CEP290-related condition; CEP290-related disorders. Identifiers: MedGen CN239314.
Inborn genetic diseases. Identifiers: MedGen C0950123, MeSH D030342.
Joubert syndrome. Also called: JOUBERT-BOLTSHAUSER SYNDROME; Familial aplasia of the vermis. Identifiers: Orphanet 475, MedGen C5979921, MONDO:0018772.
Meckel-Gruber syndrome. Also called: DYSENCEPHALIA SPLANCHNOCYSTICA; GRUBER SYNDROME; Dysencephalia splachnocystica. Identifiers: Orphanet 564, MedGen C0265215, MONDO:0018921.
Nephronophthisis. Also called: Juvenile Nephronophthisis. Identifiers: Orphanet 655, MedGen C0687120, MONDO:0019005, HP:0000090.
Leber congenital amaurosis (LCA). Also called: Leber's amaurosis. Identifiers: Orphanet 65, MedGen C0339527, MeSH D057130, MONDO:0018998.

Allele frequency attached by ClinVar (database versions not stated): gnomAD exomes below 0.00001 and 0.00002; TOPMed below 0.00001.
gnomAD v4.1: 5 of 1,455,894 alleles (0.00034%); highest among the groups gnomAD compares: Admixed American, 0.0088%; no homozygotes.

Submissions (5):

Ambry Genetics
Classification: Uncertain significance for Inborn genetic diseases. Last evaluated: 2025-04-28. Review status: criteria provided, single submitter. Criteria: Ambry Variant Classification Scheme 2023. Collection method: clinical testing. Allele origin: germline.

Labcorp Genetics (formerly Invitae), Labcorp
Classification: Uncertain significance for Joubert syndrome; Meckel-Gruber syndrome; Nephronophthisis. Last evaluated: 2022-08-16. Review status: criteria provided, single submitter. Criteria: Invitae Variant Classification Sherloc (09022015). Collection method: clinical testing. Allele origin: germline.
Comment: This sequence change replaces arginine, which is basic and polar, with glycine, which is neutral and non-polar, at codon 1811 of the CEP290 protein (p.Arg1811Gly). This variant is present in population databases (no rsID available, gnomAD 0.02%). This variant has not been reported in the literature in individuals affected with CEP290-related conditions. ClinVar contains an entry for this variant (Variation ID: 842079). Algorithms developed to predict the effect of missense changes on protein structure and function are either unavailable or do not agree on the potential impact of this missense change (SIFT: "Deleterious"; PolyPhen-2: "Benign"; Align-GVGD: "Class C15"). In summary, the available evidence is currently insufficient to determine the role of this variant in disease. Therefore, it has been classified as a Variant of Uncertain Significance.

Blueprint Genetics
Classification: Uncertain significance. Last evaluated: 2021-11-02. Review status: criteria provided, single submitter. Criteria: ACMG Guidelines, 2015. Collection method: clinical testing. Allele origin: germline.

PreventionGenetics, part of Exact Sciences
Classification: Uncertain significance for CEP290-related condition. Last evaluated: 2024-06-18. Review status: no assertion criteria provided. Collection method: clinical testing. Allele origin: germline. Not counted in ClinVar's aggregate classification.
Comment: The CEP290 c.5431A>G variant is predicted to result in the amino acid substitution p.Arg1811Gly. To our knowledge, this variant has not been reported in the literature. This variant is reported in 0.015% of alleles in individuals of Latino descent in gnomAD. At this time, the clinical significance of this variant is uncertain due to the absence of conclusive functional and genetic evidence.

Natera, Inc.
Classification: Uncertain significance for Leber congenital amaurosis. Last evaluated: 2020-03-10. Review status: no assertion criteria provided. Collection method: clinical testing. Allele origin: germline. Not counted in ClinVar's aggregate classification.

NM_025114.4(CEP290):c.5431A>G (p.Arg1811Gly)

Gene: CEP290 (centrosomal protein 290; minus strand). Cytogenetic location: 12q21.32.
Variant type: single nucleotide variant.
Coding change: c.5431A>G on transcript NM_025114.4 (MANE Select); coding-DNA position 5431, A replaced by G.
Protein change: p.Arg1811Gly; replaces arginine 1811 with glycine.
Molecular consequence: missense variant.
Genome position (GRCh38, 1-based): chr12:88,077,852, T>C on the plus strand (A>G on the coding strand, the complement: CEP290 is on the minus strand). VCF-style: chr12-88077852-T-C. GRCh37 (hg19) VCF-style: chr12-88471629-T-C.
Other names: short protein forms R1811G.
Identifiers: ClinVar variation 842079 (VCV000842079.11), dbSNP rs1460898199, ClinGen allele CA385988852.